The following is an entry in ClinVar:

NM_000193.4(SHH):c.605C>T (p.Ser202Leu)

Gene: SHH (sonic hedgehog signaling molecule; minus strand). Cytogenetic location: 7q36.3.
Variant type: single nucleotide variant.
Coding change: c.605C>T on transcript NM_000193.4 (MANE Select); coding-DNA position 605, C replaced by T.
Protein change: p.Ser202Leu; replaces serine 202 with leucine.
Molecular consequence: missense variant. On other transcripts: intron variant (1).
Genome position (GRCh38, 1-based): chr7:155,803,684, G>A on the plus strand (C>T on the coding strand, the complement: SHH is on the minus strand). VCF-style: chr7-155803684-G-A. GRCh37 (hg19) VCF-style: chr7-155596378-G-A.
Other names: c.301+2612C>T (NM_001310462.2); c.605C>T (NM_000193.3); short protein forms S202L.
Identifiers: ClinVar variation 1476118 (VCV001476118.9), dbSNP rs1473100698, ClinGen allele CA370146690.
Genomic context (GRCh38, chr7:155,803,684, plus strand): 5'-TCCCCGGGGCTCAGGTCCTTCACCAGCTTGGTGCCGCCCTGCTCCAGGTGCACCGTGGCC[G>A]AGCCCGGGAAGCAGCCTCCCGATTTGGCCGCCACCGAGTTCTCTGCGGGTGAGGAGAAGG-3'
Protein context (NP_000184.1, residues 192-212): AAKSGGCFPG[Ser202Leu]ATVHLEQGGT

ClinVar aggregate classification (germline): Uncertain significance. Review status: criteria provided, multiple submitters, no conflicts (2 of 4 stars). 2 submissions from 2 submitters: Uncertain significance (2). Last evaluated 2026-03-27.

Conditions:
SHH-related disorder. Also called: SHH-related condition; SHH-related disorders.
Holoprosencephaly 3 (HPE3). Identifiers: Orphanet 2162, MedGen C1840529, MONDO:0007733, OMIM 142945.

Allele frequency attached by ClinVar (database versions not stated): gnomAD exomes below 0.00001; gnomAD 0.00001; TOPMed 0.00001.
gnomAD v4.1: 5 of 1,597,628 alleles (0.00031%); highest among the groups gnomAD compares: Non-Finnish European, 0.00034%; no homozygotes.

Submissions (2):

PreventionGenetics, part of Exact Sciences
Classification: Uncertain significance for SHH-related condition. Last evaluated: 2026-03-27. Review status: criteria provided, single submitter. Criteria: ACMG Guidelines, 2015. Collection method: clinical testing. Allele origin: germline.
Comment: The SHH c.605C>T variant is predicted to result in the amino acid substitution p.Ser202Leu. To our knowledge, this variant has not been reported in the literature. This variant is absent in a large population database (gnomAD). At this time, the clinical significance of this variant is uncertain due to the absence of conclusive functional and genetic evidence.

Labcorp Genetics (formerly Invitae), Labcorp
Classification: Uncertain significance for Holoprosencephaly 3. Last evaluated: 2022-08-23. Review status: criteria provided, single submitter. Criteria: Invitae Variant Classification Sherloc (09022015). Collection method: clinical testing. Allele origin: germline.
Comment: In summary, the available evidence is currently insufficient to determine the role of this variant in disease. Therefore, it has been classified as a Variant of Uncertain Significance. Algorithms developed to predict the effect of missense changes on protein structure and function are either unavailable or do not agree on the potential impact of this missense change (SIFT: "Deleterious"; PolyPhen-2: "Benign"; Align-GVGD: "Class C0"). This sequence change replaces serine, which is neutral and polar, with leucine, which is neutral and non-polar, at codon 202 of the SHH protein (p.Ser202Leu). This variant is not present in population databases (gnomAD no frequency). This variant has not been reported in the literature in individuals affected with SHH-related conditions. ClinVar contains an entry for this variant (Variation ID: 1476118).